The following is an entry in ClinVar:

ClinVar aggregate classification (germline): Conflicting classifications of pathogenicity. Review status: criteria provided, conflicting classifications (1 of 4 stars). 4 submissions from 4 submitters: Uncertain significance (3); Likely benign (1). Last evaluated 2025-06-24.

Conditions:
Hereditary cancer-predisposing syndrome. Also called: Hereditary neoplastic syndrome; Tumor predisposition; Neoplastic Syndromes, Hereditary; Hereditary Cancer Syndrome. Identifiers: Orphanet 140162, MedGen C0027672, MeSH D009386, MONDO:0015356.
Hereditary breast ovarian cancer syndrome. Also called: Hereditary breast and ovarian cancer; Hereditary breast and/or ovarian cancer syndrome; Breast and ovarian cancer; BRCA1- and BRCA2-Associated Hereditary Breast and Ovarian Cancer; Hereditary breast and ovarian cancer syndrome; Hereditary breast and ovarian cancer syndrome (HBOC). Identifiers: Orphanet 145, MedGen C0677776, MeSH D061325, MONDO:0003582. Disease mechanism: loss of function.

Submissions (4):

Labcorp Genetics (formerly Invitae), Labcorp
Classification: Uncertain significance for Hereditary breast ovarian cancer syndrome. Last evaluated: 2025-06-24. Review status: criteria provided, single submitter. Criteria: Invitae Variant Classification Sherloc (09022015). Collection method: clinical testing. Allele origin: germline.
Comment: This sequence change replaces glycine, which is neutral and non-polar, with arginine, which is basic and polar, at codon 1840 of the BRCA2 protein (p.Gly1840Arg). This variant is not present in population databases (gnomAD no frequency). This variant has not been reported in the literature in individuals affected with BRCA2-related conditions. ClinVar contains an entry for this variant (Variation ID: 656855). Invitae Evidence Modeling of protein sequence and biophysical properties (such as structural, functional, and spatial information, amino acid conservation, physicochemical variation, residue mobility, and thermodynamic stability) indicates that this missense variant is not expected to disrupt BRCA2 protein function with a negative predictive value of 95%. In summary, the available evidence is currently insufficient to determine the role of this variant in disease. Therefore, it has been classified as a Variant of Uncertain Significance.

Women's Health and Genetics/Laboratory Corporation of America, LabCorp
Classification: Uncertain significance. Last evaluated: 2024-02-12. Review status: criteria provided, single submitter. Criteria: LabCorp Variant Classification Summary - May 2015. Collection method: clinical testing. Allele origin: germline.

Ambry Genetics
Classification: Uncertain significance for Hereditary cancer-predisposing syndrome. Last evaluated: 2023-12-28. Review status: criteria provided, single submitter. Criteria: Ambry Variant Classification Scheme 2023. Collection method: clinical testing. Allele origin: germline.
Comment: The p.G1840R variant (also known as c.5518G>A), located in coding exon 10 of the BRCA2 gene, results from a G to A substitution at nucleotide position 5518. The glycine at codon 1840 is replaced by arginine, an amino acid with dissimilar properties. This amino acid position is not well conserved in available vertebrate species. In addition, the in silico prediction for this alteration is inconclusive. Since supporting evidence is limited at this time, the clinical significance of this alteration remains unclear.

University of Washington Department of Laboratory Medicine, University of Washington
Classification: Likely benign for Hereditary cancer-predisposing syndrome. Last evaluated: 2023-03-23. Review status: criteria provided, single submitter. Criteria: Dines et al. (Genet Med. 2020). Collection method: curation. Allele origin: germline.
Comment: Missense variant in a coldspot region where missense variants are very unlikely to be pathogenic (PMID:31911673).

BRCA2 exon 11 coldspot. Reclassification based on statistical prior probability.

NM_000059.4(BRCA2):c.5518G>A (p.Gly1840Arg)

Gene: BRCA2 (BRCA2 DNA repair associated; plus strand). Cytogenetic location: 13q13.1.
Variant type: single nucleotide variant.
Coding change: c.5518G>A on transcript NM_000059.4 (MANE Select); coding-DNA position 5518, G replaced by A.
Protein change: p.Gly1840Arg; replaces glycine 1840 with arginine.
Molecular consequence: missense variant.
Genome position (GRCh38, 1-based): chr13:32,339,873, G>A. VCF-style: chr13-32339873-G-A. GRCh37 (hg19) VCF-style: chr13-32914010-G-A.
Other names: short protein forms G1840R.
Identifiers: ClinVar variation 656855 (VCV000656855.12), dbSNP rs398122533, ClinGen allele CA387785870.
Genomic context (GRCh38, chr13:32,339,873, plus strand): 5'-TGCAAAAATAAAAATGCAGCCATTAAATTGTCCATATCTAATAGTAATAATTTTGAGGTA[G>A]GGCCACCTGCATTTAGGATAGCCAGTGGTAAAATCGTTTGTGTTTCACATGAAACAATTA-3'
Protein context (NP_000050.3, residues 1830-1850): SISNSNNFEV[Gly1840Arg]PPAFRIASGK